The following is an entry in ClinVar:

ClinVar aggregate classification (germline): Likely benign (1 of 4 stars; one submission).

Allele frequency attached by ClinVar (database versions not stated): gnomAD 0.01566 and 0.01733; TOPMed 0.01631; 1000 Genomes Project 30x 0.01811; 1000 Genomes Project 0.01917.
gnomAD v4.1: 2,643 of 152,314 alleles (1.7%); highest among the groups gnomAD compares: South Asian, 5.5%; 37 homozygotes.

Submission:

GeneDx
Classification: Likely benign. Last evaluated: 2018-06-16. Review status: criteria provided, single submitter. Criteria: GeneDx Variant Classification (06012015). Collection method: clinical testing. Allele origin: germline. Affected: yes.
Comment: This variant is considered likely benign or benign based on one or more of the following criteria: it is a conservative change, it occurs at a poorly conserved position in the protein, it is predicted to be benign by multiple in silico algorithms, and/or has population frequency not consistent with disease.

NM_002755.4(MAP2K1):c.438+192C>T

Gene: MAP2K1 (mitogen-activated protein kinase kinase 1; plus strand). Cytogenetic location: 15q22.31.
Variant type: single nucleotide variant.
Coding change: c.438+192C>T on transcript NM_002755.4 (MANE Select); 192 bases into the intron after coding-DNA position 438, C replaced by T.
Molecular consequence: intron variant.
Genome position (GRCh38, 1-based): chr15:66,437,084, C>T. VCF-style: chr15-66437084-C-T. GRCh37 (hg19) VCF-style: chr15-66729422-C-T.
Identifiers: ClinVar variation 561434 (VCV000561434.1), dbSNP rs16949944, ClinGen allele CA271642574.